The following is an entry in ClinVar:

NM_001164508.2(NEB):c.22480-1G>C

Genes: NEB (nebulin; minus strand), RIF1 (replication timing regulatory factor 1; plus strand). Cytogenetic location: 2q23.3.
Variant type: single nucleotide variant.
Coding change: c.22480-1G>C on transcript NM_001164508.2 (MANE Select); the canonical splice acceptor site of the intron before coding-DNA position 22480, G replaced by C.
Molecular consequence: splice acceptor variant.
Genome position (GRCh38, 1-based): chr2:151,519,769, C>G on the plus strand (G>C on the coding strand, the complement: NEB is on the minus strand). VCF-style: chr2-151519769-C-G. GRCh37 (hg19) VCF-style: chr2-152376283-C-G.
Other names: c.17377-1G>C (NM_004543.5); c.22480-1G>C (NM_001164507.2); c.22585-1G>C (NM_001271208.2).
Identifiers: ClinVar variation 1973519 (VCV001973519.5), dbSNP rs2552093096, ClinGen allele CA348762202.

ClinVar aggregate classification (germline): Likely pathogenic (1 of 4 stars; one submission).

Conditions:
Nemaline myopathy 2 (NEM2). Also called: Nemaline myopathy 2, autosomal recessive. Identifiers: MedGen C1850569, MONDO:0009725, OMIM 256030.

Submission:

Labcorp Genetics (formerly Invitae), Labcorp
Classification: Likely pathogenic for Nemaline myopathy 2. Last evaluated: 2023-04-08. Review status: criteria provided, single submitter. Criteria: Invitae Variant Classification Sherloc (09022015). Collection method: clinical testing. Allele origin: germline.
Comment: In summary, the currently available evidence indicates that the variant is pathogenic, but additional data are needed to prove that conclusively. Therefore, this variant has been classified as Likely Pathogenic. Algorithms developed to predict the effect of sequence changes on RNA splicing suggest that this variant may disrupt the consensus splice site. ClinVar contains an entry for this variant (Variation ID: 1973519). This variant has not been reported in the literature in individuals affected with NEB-related conditions. This variant is not present in population databases (gnomAD no frequency). This sequence change affects an acceptor splice site in intron 154 of the NEB gene. It is expected to disrupt RNA splicing. Variants that disrupt the donor or acceptor splice site typically lead to a loss of protein function (PMID: 16199547), and loss-of-function variants in NEB are known to be pathogenic (PMID: 25205138).

Literature cited by the submitters: PubMed 16199547; PubMed 25205138.